The following is an entry in ClinVar:

NM_024757.5(EHMT1):c.3869G>A (p.Ser1290Asn)

Gene: EHMT1 (euchromatic histone lysine methyltransferase 1; plus strand). Cytogenetic location: 9q34.3.
Variant type: single nucleotide variant.
Coding change: c.3869G>A on transcript NM_024757.5 (MANE Select); coding-DNA position 3869, G replaced by A.
Protein change: p.Ser1290Asn; replaces serine 1290 with asparagine.
Molecular consequence: missense variant.
Genome position (GRCh38, 1-based): chr9:137,834,925, G>A. VCF-style: chr9-137834925-G-A. GRCh37 (hg19) VCF-style: chr9-140729377-G-A.
Other names: c.3848G>A, p.Ser1283Asn (NM_001354263.2); short protein forms S1283N, S1290N.
Identifiers: ClinVar variation 1309425 (VCV001309425.2), dbSNP rs2133163039, ClinGen allele CA375783913.

ClinVar aggregate classification (germline): Uncertain significance (1 of 4 stars; one submission).

Submission:

GeneDx
Classification: Uncertain significance. Last evaluated: 2019-10-17. Review status: criteria provided, single submitter. Criteria: GeneDx Variant Classification Process June 2021. Collection method: clinical testing. Allele origin: germline. Affected: yes.
Comment: Not observed in large population cohorts (Lek et al., 2016); In silico analysis, which includes protein predictors and evolutionary conservation, supports that this variant does not alter protein structure/function; Has not been previously published as pathogenic or benign to our knowledge